The following is an entry in ClinVar:

NM_205861.3(DHDDS):c.793C>T (p.Arg265Trp)

Gene: DHDDS (dehydrodolichyl diphosphate synthase subunit; plus strand). Cytogenetic location: 1p36.11.
Variant type: single nucleotide variant.
Coding change: c.793C>T on transcript NM_205861.3 (MANE Select); coding-DNA position 793, C replaced by T.
Protein change: p.Arg265Trp; replaces arginine 265 with tryptophan.
Molecular consequence: missense variant.
Genome position (GRCh38, 1-based): chr1:26,468,922, C>T. VCF-style: chr1-26468922-C-T. GRCh37 (hg19) VCF-style: chr1-26795413-C-T.
Other names: c.691C>T, p.Arg231Trp (NM_001243564.2); c.676C>T, p.Arg226Trp (NM_001243565.2); c.514C>T, p.Arg172Trp (NM_001319959.2); c.796C>T, p.Arg266Trp (NM_024887.4); c.796C>T (NM_024887.3); short protein forms R265W, R226W, R231W, R172W, R266W.
Identifiers: ClinVar variation 1384953 (VCV001384953.7), dbSNP rs749723641, ClinGen allele CA705466.

ClinVar aggregate classification (germline): Uncertain significance. Review status: criteria provided, multiple submitters, no conflicts (2 of 4 stars). 2 submissions from 2 submitters: Uncertain significance (2). Last evaluated 2023-11-17.

Conditions:
Inborn genetic diseases. Identifiers: MedGen C0950123, MeSH D030342.
Retinitis pigmentosa 59 (RP59). Identifiers: Orphanet 791, MedGen C3151227, MONDO:0013468, OMIM 613861.

Allele frequency attached by ClinVar (database versions not stated): gnomAD exomes below 0.00001; TOPMed below 0.00001; ExAC 0.00001; gnomAD 0.00001.
gnomAD v4.1: 8 of 1,613,782 alleles (0.0005%); highest among the groups gnomAD compares: East Asian, 0.0045%; no homozygotes.

Submissions (2):

Ambry Genetics
Classification: Uncertain significance for Inborn genetic diseases. Last evaluated: 2023-11-17. Review status: criteria provided, single submitter. Criteria: Ambry Variant Classification Scheme 2023. Collection method: clinical testing. Allele origin: germline.

Labcorp Genetics (formerly Invitae), Labcorp
Classification: Uncertain significance for Retinitis pigmentosa 59. Last evaluated: 2022-04-07. Review status: criteria provided, single submitter. Criteria: Invitae Variant Classification Sherloc (09022015). Collection method: clinical testing. Allele origin: germline.
Comment: In summary, the available evidence is currently insufficient to determine the role of this variant in disease. Therefore, it has been classified as a Variant of Uncertain Significance. Algorithms developed to predict the effect of missense changes on protein structure and function are either unavailable or do not agree on the potential impact of this missense change (SIFT: "Deleterious"; PolyPhen-2: "Benign"; Align-GVGD: "Class C0"). This variant has not been reported in the literature in individuals affected with DHDDS-related conditions. This variant is present in population databases (rs749723641, gnomAD 0.006%). This sequence change replaces arginine, which is basic and polar, with tryptophan, which is neutral and slightly polar, at codon 266 of the DHDDS protein (p.Arg266Trp).